The following is an entry in ClinVar:

ClinVar aggregate classification (germline): Uncertain significance (1 of 4 stars; one submission).

Conditions:
Lymphatic malformation 9. Identifiers: MedGen C5543365, MONDO:0030270, OMIM 619319.

Allele frequency attached by ClinVar (database versions not stated): gnomAD exomes 0.00001; ExAC 0.00002; gnomAD 0.00002; TOPMed 0.00003.
gnomAD v4.1: 22 of 1,612,758 alleles (0.0014%); highest among the groups gnomAD compares: African/African-American, 0.0027%; no homozygotes.

Submission:

Clinical Genomics Laboratory, Washington University in St. Louis
Classification: Uncertain significance for Lymphatic malformation 9. Last evaluated: 2023-12-18. Review status: criteria provided, single submitter. Criteria: ACMG Guidelines, 2015. Collection method: clinical testing. Allele origin: germline.
Comment: A CELSR1 c.7715G>A (p.Arg2572Gln) variant was identified at a heterozygous allelic fraction of 49.7%, a frequency which may be consistent with germline origin. This variant, to our knowledge, has not been reported in the medical literature. This variant is only observed on 22/1,612,758 alleles in the general population (gnomAD v.4.0.0). Computational predictors are uncertain as to the impact of this variant on CELSR1 function. Due to limited information, and based on ACMG/AMP guidelines for variant interpretation (Richards S et al., PMID: 25741868), the clinical significance of this variant is uncertain at this time.

NM_001378328.1(CELSR1):c.7715G>A (p.Arg2572Gln)

Gene: CELSR1 (cadherin EGF LAG seven-pass G-type receptor 1; minus strand). Cytogenetic location: 22q13.31.
Variant type: single nucleotide variant.
Coding change: c.7715G>A on transcript NM_001378328.1 (MANE Select); coding-DNA position 7715, G replaced by A.
Protein change: p.Arg2572Gln; replaces arginine 2572 with glutamine.
Molecular consequence: missense variant.
Genome position (GRCh38, 1-based): chr22:46,372,927, C>T on the plus strand (G>A on the coding strand, the complement: CELSR1 is on the minus strand). VCF-style: chr22-46372927-C-T. GRCh37 (hg19) VCF-style: chr22-46768824-C-T.
Other names: c.7715G>A, p.Arg2572Gln (NM_014246.4); short protein forms R2572Q.
Identifiers: ClinVar variation 3237440 (VCV003237440.1), dbSNP rs777253987.